The following is an entry in ClinVar:

ClinVar aggregate classification (germline): Uncertain significance (1 of 4 stars; one submission).

Submission:

Labcorp Genetics (formerly Invitae), Labcorp
Classification: Uncertain significance. Last evaluated: 2023-08-17. Review status: criteria provided, single submitter. Criteria: Invitae Variant Classification Sherloc (09022015). Collection method: clinical testing. Allele origin: germline.
Comment: In summary, the available evidence is currently insufficient to determine the role of this variant in disease. Therefore, it has been classified as a Variant of Uncertain Significance. An algorithm developed to predict the effect of missense changes on protein structure and function (PolyPhen-2) suggests that this variant is likely to be tolerated. ClinVar contains an entry for this variant (Variation ID: 1467999). This variant has not been reported in the literature in individuals affected with EIF2AK3-related conditions. This variant is not present in population databases (gnomAD no frequency). This sequence change replaces valine, which is neutral and non-polar, with alanine, which is neutral and non-polar, at codon 614 of the EIF2AK3 protein (p.Val614Ala).

NM_004836.7(EIF2AK3):c.1841T>C (p.Val614Ala)

Gene: EIF2AK3 (eukaryotic translation initiation factor 2 alpha kinase 3; minus strand). Cytogenetic location: 2p11.2.
Variant type: single nucleotide variant.
Coding change: c.1841T>C on transcript NM_004836.7 (MANE Select); coding-DNA position 1841, T replaced by C.
Protein change: p.Val614Ala; replaces valine 614 with alanine.
Molecular consequence: missense variant.
Genome position (GRCh38, 1-based): chr2:88,579,563, A>G on the plus strand (T>C on the coding strand, the complement: EIF2AK3 is on the minus strand). VCF-style: chr2-88579563-A-G. GRCh37 (hg19) VCF-style: chr2-88879081-A-G.
Other names: c.1388T>C, p.Val463Ala (NM_001313915.2); short protein forms V614A, V463A.
Identifiers: ClinVar variation 1467999 (VCV001467999.8), dbSNP rs2104419425, ClinGen allele CA347593753.